The following is an entry in ClinVar:

NM_001323289.2(CDKL5):c.950A>G (p.His317Arg)

Gene: CDKL5 (cyclin dependent kinase like 5; plus strand). Cytogenetic location: Xp22.13.
Variant type: single nucleotide variant.
Coding change: c.950A>G on transcript NM_001323289.2 (MANE Select); coding-DNA position 950, A replaced by G.
Protein change: p.His317Arg; replaces histidine 317 with arginine.
Molecular consequence: missense variant.
Genome position (GRCh38, 1-based): chrX:18,598,586, A>G. VCF-style: chrX-18598586-A-G. GRCh37 (hg19) VCF-style: chrX-18616706-A-G.
Other names: p.His317Arg; c.950A>G, p.His317Arg (NM_001037343.2, NM_003159.3); short protein forms H317R.
Identifiers: ClinVar variation 420833 (VCV000420833.13), dbSNP rs756537286, ClinGen allele CA10360314.
Genomic context (GRCh38, chrX:18,598,586, plus strand): 5'-TTCAAACCCAGAGACTTCTGGATCGTTCTCCTTCAAGGTCAGCAAAAAGAAAACCTTACC[A>G]TGTGGAAAGCAGCACATTGTCTAATAGGTAAATATTCCCTTTTAAGGAAATACAGATGCA-3'
Protein context (NP_001310218.1, residues 307-327): PSRSAKRKPY[His317Arg]VESSTLSNRN

ClinVar aggregate classification (germline): Benign/Likely benign. Review status: criteria provided, multiple submitters, no conflicts (2 of 4 stars). 3 submissions from 3 submitters: Benign (2); Likely benign (1). Last evaluated 2025-07-11.

Conditions:
Developmental and epileptic encephalopathy, 2 (DEE2). Also called: INFANTILE SPASM SYNDROME, X-LINKED 2; CDKL5 deficiency disorder. Identifiers: Orphanet 1934, Orphanet 3451, Orphanet 505652, MedGen C4750718, MONDO:0010396, OMIM 300672.
Angelman syndrome-like. Identifiers: MedGen CN128785.

Allele frequency attached by ClinVar (database versions not stated): gnomAD 0.00005; TOPMed 0.00005; gnomAD exomes 0.00013 and 0.00002; ExAC 0.00002.
gnomAD v4.1: 139 of 1,208,979 alleles (0.011%); highest among the groups gnomAD compares: Non-Finnish European, 0.015%; no homozygotes.

Submissions (3):

Mayo Clinic Laboratories, Mayo Clinic
Classification: Benign. Last evaluated: 2025-07-11. Review status: criteria provided, single submitter. Criteria: ACMG Guidelines, 2015. Collection method: clinical testing. Allele origin: germline. Observed: 1 variant allele.
Comment: BS1, BS2

Labcorp Genetics (formerly Invitae), Labcorp
Classification: Benign for Developmental and epileptic encephalopathy, 2; Angelman syndrome-like. Last evaluated: 2025-03-11. Review status: criteria provided, single submitter. Criteria: Invitae Variant Classification Sherloc (09022015). Collection method: clinical testing. Allele origin: germline.

GeneDx
Classification: Likely benign. Last evaluated: 2017-08-16. Review status: criteria provided, single submitter. Criteria: GeneDx Variant Classification (06012015). Collection method: clinical testing. Allele origin: germline. Affected: yes.
Comment: This variant is considered likely benign or benign based on one or more of the following criteria: it is a conservative change, it occurs at a poorly conserved position in the protein, it is predicted to be benign by multiple in silico algorithms, and/or has population frequency not consistent with disease.